The following is an entry in ClinVar:

ClinVar aggregate classification (germline): Uncertain significance (1 of 4 stars; one submission).

gnomAD v4.1: 1 of 1,614,046 alleles (0.000062%); highest among the groups gnomAD compares: African/African-American, 0.0013%; no homozygotes.

Submission:

Athena Diagnostics
Classification: Uncertain significance. Last evaluated: 2024-12-31. Review status: criteria provided, single submitter. Criteria: Athena Diagnostics Criteria. Collection method: clinical testing. Allele origin: unknown.
Comment: Available data are insufficient to determine the clinical significance of the variant at this time. The frequency of this variant in the general population is uninformative in assessment of its pathogenicity. Polyphen and MutationTaster yielded discordant predictions regarding whether this amino acid change is damaging to the protein.

NM_025137.4(SPG11):c.314T>C (p.Leu105Pro)

Gene: SPG11 (SPG11 vesicle trafficking associated, spatacsin; minus strand). Cytogenetic location: 15q21.1.
Variant type: single nucleotide variant.
Coding change: c.314T>C on transcript NM_025137.4 (MANE Select); coding-DNA position 314, T replaced by C.
Protein change: p.Leu105Pro; replaces leucine 105 with proline.
Molecular consequence: missense variant.
Genome position (GRCh38, 1-based): chr15:44,660,560, A>G on the plus strand (T>C on the coding strand, the complement: SPG11 is on the minus strand). VCF-style: chr15-44660560-A-G. GRCh37 (hg19) VCF-style: chr15-44952758-A-G.
Other names: c.314T>C, p.Leu105Pro (NM_001160227.2, NM_001411132.1); short protein forms L105P.
Identifiers: ClinVar variation 4682243 (VCV004682243.1).
Genomic context (GRCh38, chr15:44,660,560, plus strand): 5'-CATCTTCCATCTTTCAAATTAAATTCATAGATAAGCAGTTCATAATTTTCACCAAGAGCG[A>G]GCAGTTTGGGCTTTTCAGTTGGTGTGCTGCTGTTACGAGAATCCTCCCATAGAAAGCTAA-3'
Protein context (NP_079413.3, residues 95-115): SSTPTEKPKL[Leu105Pro]ALGENYELLI